The following is an entry in ClinVar:

NM_001378477.3(NYX):c.1285_1305del (p.Thr429_Ala435del)

Gene: NYX (nyctalopin; plus strand). Cytogenetic location: Xp11.4.
Variant type: Deletion.
Coding change: c.1285_1305del on transcript NM_001378477.3 (MANE Select); coding-DNA positions 1285 to 1305, 21 bases deleted (ACTGGGGGGCTGGCCAACGCC).
Protein change: p.Thr429_Ala435del.
Molecular consequence: inframe deletion.
Genome position (GRCh38, 1-based): chrX:41,474,753-41,474,773, ACTGGGGGGCTGGCCAACGCC deleted; deleting any 21 consecutive bases within chrX:41,474,751-41,474,773 gives the same sequence; the c. name uses the placement nearest the transcript's 3' end. VCF-style (leftmost placement, unchanged base first): chrX-41474750-ACCACTGGGGGGCTGGCCAACG-A. GRCh37 (hg19) VCF-style: chrX-41334003-ACCACTGGGGGGCTGGCCAACG-A.
Other names: c.1300_1320del21 (NM_022567.2); c.1285_1305del, p.Thr429_Ala435del (NM_022567.3).
Identifiers: ClinVar variation 1395552 (VCV001395552.7), dbSNP rs775596643, ClinGen allele CA10389939.
Genomic context (GRCh38, chrX:41,474,750, plus strand): 5'-TTCAGCAGCCTCCTCTCCAAGCTGCTGGCCCCGAGGGTCCCGGTGGAGGAGGCGGCCAAC[ACCACTGGGGGGCTGGCCAACG>A]CCTCCCTGTCCGACAGCCTCTCCTCCCGTGGGGTGGGAGGCGCGGGCCGGCAGCCCTGGT-3'

ClinVar aggregate classification (germline): Uncertain significance. Review status: criteria provided, multiple submitters, no conflicts (2 of 4 stars). 2 submissions from 2 submitters: Uncertain significance (2). Last evaluated 2026-09-16.

Conditions:
NYX-related disorder. Also called: NYX-related condition.

Submissions (2):

PreventionGenetics, part of Exact Sciences
Classification: Uncertain significance for NYX-related condition. Last evaluated: 2026-09-16. Review status: criteria provided, single submitter. Criteria: ACMG Guidelines, 2015. Collection method: clinical testing. Allele origin: germline.
Comment: The NYX c.1300_1320del21 variant is predicted to result in an in-frame deletion (p.Thr434_Ala440del). To our knowledge, this variant has not been reported in the literature. This variant is reported in 0.026% of alleles in individuals of African descent in gnomAD. At this time, the clinical significance of this variant is uncertain due to the absence of conclusive functional and genetic evidence.

Labcorp Genetics (formerly Invitae), Labcorp
Classification: Uncertain significance. Last evaluated: 2023-12-09. Review status: criteria provided, single submitter. Criteria: Invitae Variant Classification Sherloc (09022015). Collection method: clinical testing. Allele origin: germline.
Comment: This variant, c.1300_1320del, results in the deletion of 7 amino acid(s) of the NYX protein (p.Thr434_Ala440del), but otherwise preserves the integrity of the reading frame. This variant is present in population databases (rs775596643, gnomAD 0.03%). This variant has not been reported in the literature in individuals affected with NYX-related conditions. ClinVar contains an entry for this variant (Variation ID: 1395552). Experimental studies and prediction algorithms are not available or were not evaluated, and the functional significance of this variant is currently unknown. In summary, the available evidence is currently insufficient to determine the role of this variant in disease. Therefore, it has been classified as a Variant of Uncertain Significance.